The following is an entry in ClinVar:

ClinVar aggregate classification (germline): Likely pathogenic (1 of 4 stars; one submission).

Submission:

Labcorp Genetics (formerly Invitae), Labcorp
Classification: Likely pathogenic. Last evaluated: 2023-12-20. Review status: criteria provided, single submitter. Criteria: Invitae Variant Classification Sherloc (09022015). Collection method: clinical testing. Allele origin: germline.
Comment: This sequence change affects an acceptor splice site in intron 41 of the UBR1 gene. It is expected to disrupt RNA splicing. Variants that disrupt the donor or acceptor splice site typically lead to a loss of protein function (PMID: 16199547), and loss-of-function variants in UBR1 are known to be pathogenic (PMID: 24599544). This variant is not present in population databases (gnomAD no frequency). This variant has not been reported in the literature in individuals affected with UBR1-related conditions. Algorithms developed to predict the effect of sequence changes on RNA splicing suggest that this variant may disrupt the consensus splice site. In summary, the currently available evidence indicates that the variant is pathogenic, but additional data are needed to prove that conclusively. Therefore, this variant has been classified as Likely Pathogenic.

Literature cited by the submitters: PubMed 16199547; PubMed 24599544.

NM_174916.3(UBR1):c.4592-1G>C

Gene: UBR1 (ubiquitin protein ligase E3 component n-recognin 1; minus strand). Cytogenetic location: 15q15.2.
Variant type: single nucleotide variant.
Coding change: c.4592-1G>C on transcript NM_174916.3 (MANE Select); the canonical splice acceptor site of the intron before coding-DNA position 4592, G replaced by C.
Molecular consequence: splice acceptor variant.
Genome position (GRCh38, 1-based): chr15:42,964,044, C>G on the plus strand (G>C on the coding strand, the complement: UBR1 is on the minus strand). VCF-style: chr15-42964044-C-G. GRCh37 (hg19) VCF-style: chr15-43256242-C-G.
Identifiers: ClinVar variation 2868004 (VCV002868004.3), dbSNP rs2542901758, ClinGen allele CA392061121.